The following is an entry in ClinVar:

NM_003482.4(KMT2D):c.11738AGC[3] (p.Gln3916_Gln3919del)

Gene: KMT2D (lysine methyltransferase 2D; minus strand). Cytogenetic location: 12q13.12.
Variant type: Microsatellite.
Coding change: c.11738AGC[3] on transcript NM_003482.4 (MANE Select); three copies in a row of the 3-base unit AGC starting at c.11738; the reference has seven copies in a row; four copies, 12 bases deleted.
Protein change: p.Gln3916_Gln3919del.
Molecular consequence: inframe deletion.
Genome position (GRCh38, 1-based): chr12:49,032,947-49,032,958, GCTGCTGCTGCT deleted on the plus strand (AGCAGCAGCAGC on the coding strand, the reverse complement: KMT2D is on the minus strand); deleting any 12 consecutive bases within chr12:49,032,947-49,032,968 gives the same sequence; the position shown is the placement nearest the transcript's 3' end. VCF-style (leftmost placement, unchanged base first): chr12-49032946-AGCTGCTGCTGCT-A. GRCh37 (hg19) VCF-style: chr12-49426729-AGCTGCTGCTGCT-A.
Identifiers: ClinVar variation 3012785 (VCV003012785.3), dbSNP rs576788910, ClinGen allele CA2034946574.

ClinVar aggregate classification (germline): Uncertain significance (1 of 4 stars; one submission).

Conditions:
Kabuki syndrome. Also called: Kabuki make-up syndrome; NIIKAWA-KUROKI SYNDROME. Identifiers: Orphanet 2322, MedGen C0796004, MONDO:0016512.

Submission:

Labcorp Genetics (formerly Invitae), Labcorp
Classification: Uncertain significance for Kabuki syndrome. Last evaluated: 2023-10-16. Review status: criteria provided, single submitter. Criteria: Invitae Variant Classification Sherloc (09022015). Collection method: clinical testing. Allele origin: germline.
Comment: This variant, c.11747_11758del, results in the deletion of 4 amino acid(s) of the KMT2D protein (p.Gln3916_Gln3919del), but otherwise preserves the integrity of the reading frame. This variant is not present in population databases (gnomAD no frequency). This variant has not been reported in the literature in individuals affected with KMT2D-related conditions. Experimental studies and prediction algorithms are not available or were not evaluated, and the functional significance of this variant is currently unknown. In summary, the available evidence is currently insufficient to determine the role of this variant in disease. Therefore, it has been classified as a Variant of Uncertain Significance.